The following is an entry in ClinVar:

NM_006231.4(POLE):c.1252C>A (p.Pro418Thr)

Gene: POLE (DNA polymerase epsilon, catalytic subunit; minus strand). Cytogenetic location: 12q24.33.
Variant type: single nucleotide variant.
Coding change: c.1252C>A on transcript NM_006231.4 (MANE Select); coding-DNA position 1252, C replaced by A.
Protein change: p.Pro418Thr; replaces proline 418 with threonine.
Molecular consequence: missense variant.
Genome position (GRCh38, 1-based): chr12:132,673,682, G>T on the plus strand (C>A on the coding strand, the complement: POLE is on the minus strand). VCF-style: chr12-132673682-G-T. GRCh37 (hg19) VCF-style: chr12-133250268-G-T.
Other names: short protein forms P418T.
Identifiers: ClinVar variation 540706 (VCV000540706.11), dbSNP rs1555228651, ClinGen allele CA387359642.

ClinVar aggregate classification (germline): Uncertain significance. Review status: criteria provided, multiple submitters, no conflicts (2 of 4 stars). 2 submissions from 2 submitters: Uncertain significance (2). Last evaluated 2021-06-30.

Conditions:
Hereditary cancer-predisposing syndrome. Also called: Neoplastic Syndromes, Hereditary; Hereditary Cancer Syndrome; Hereditary neoplastic syndrome; Tumor predisposition. Identifiers: Orphanet 140162, MedGen C0027672, MeSH D009386, MONDO:0015356.

Submissions (2):

Ambry Genetics
Classification: Uncertain significance for Hereditary cancer-predisposing syndrome. Last evaluated: 2021-06-30. Review status: criteria provided, single submitter. Criteria: Ambry Variant Classification Scheme 2023. Collection method: clinical testing. Allele origin: germline.
Comment: The p.P418T variant (also known as c.1252C>A), located in coding exon 13 of the POLE gene, results from a C to A substitution at nucleotide position 1252. The proline at codon 418 is replaced by threonine, an amino acid with highly similar properties. This amino acid position is conserved. In addition, the in silico prediction for this alteration is inconclusive. Since supporting evidence is limited at this time, the clinical significance of this alteration remains unclear.

Labcorp Genetics (formerly Invitae), Labcorp
Classification: Uncertain significance. Last evaluated: 2017-09-02. Review status: criteria provided, single submitter. Criteria: Invitae Variant Classification Sherloc (09022015). Collection method: clinical testing. Allele origin: germline.
Comment: In summary, the available evidence is currently insufficient to determine the role of this variant in disease. Therefore, it has been classified as a Variant of Uncertain Significance. Algorithms developed to predict the effect of missense changes on protein structure and function do not agree on the potential impact of this missense change (SIFT: "Deleterious"; PolyPhen-2: "Probably Damaging"; Align-GVGD: "Class C0"). This variant has not been reported in the literature in individuals with POLE-related disease. This variant is not present in population databases (ExAC no frequency). This sequence change replaces proline with threonine at codon 418 of the POLE protein (p.Pro418Thr). The proline residue is highly conserved and there is a small physicochemical difference between proline and threonine.